The following is an entry in ClinVar:

NM_000069.3(CACNA1S):c.689G>A (p.Gly230Asp)

Gene: CACNA1S (calcium voltage-gated channel subunit alpha1 S; minus strand). Cytogenetic location: 1q32.1.
Variant type: single nucleotide variant.
Coding change: c.689G>A on transcript NM_000069.3 (MANE Select); coding-DNA position 689, G replaced by A.
Protein change: p.Gly230Asp; replaces glycine 230 with aspartic acid.
Molecular consequence: missense variant.
Genome position (GRCh38, 1-based): chr1:201,091,645, C>T on the plus strand (G>A on the coding strand, the complement: CACNA1S is on the minus strand). VCF-style: chr1-201091645-C-T. GRCh37 (hg19) VCF-style: chr1-201060773-C-T.
Other names: c.689G>A (NM_000069.2); short protein forms G230D.
Identifiers: ClinVar variation 3386401 (VCV003386401.4).

ClinVar aggregate classification (germline): Uncertain significance. Review status: criteria provided, multiple submitters, no conflicts (2 of 4 stars). 3 submissions from 3 submitters: Uncertain significance (3). Last evaluated 2025-07-02.

Conditions:
Inborn genetic diseases. Identifiers: MedGen C0950123, MeSH D030342.
Malignant hyperthermia, susceptibility to, 5 (MHS5). Also called: CACNA1S-Related Malignant Hyperthermia Susceptibility. Identifiers: Orphanet 423, MedGen C1866077, MONDO:0011163, OMIM 601887.
Hypokalemic periodic paralysis, type 1. Also called: Hypokalemic Periodic Paralysis Type 1 (AD); HypoPP. Identifiers: Orphanet 681, MedGen C3714580, MONDO:0042979, OMIM 170400.

gnomAD v4.1: 5 of 1,614,200 alleles (0.00031%); highest among the groups gnomAD compares: Non-Finnish European, 0.00042%; no homozygotes.

Submissions (3):

Ambry Genetics
Classification: Uncertain significance for Inborn genetic diseases. Last evaluated: 2025-07-02. Review status: criteria provided, single submitter. Criteria: Ambry Variant Classification Scheme 2023. Collection method: clinical testing. Allele origin: germline.

Labcorp Genetics (formerly Invitae), Labcorp
Classification: Uncertain significance for Hypokalemic periodic paralysis, type 1; Malignant hyperthermia, susceptibility to, 5. Last evaluated: 2025-01-27. Review status: criteria provided, single submitter. Criteria: Invitae Variant Classification Sherloc (09022015). Collection method: clinical testing. Allele origin: germline.
Comment: This sequence change replaces glycine, which is neutral and non-polar, with aspartic acid, which is acidic and polar, at codon 230 of the CACNA1S protein (p.Gly230Asp). This variant is present in population databases (rs753775933, gnomAD 0.003%). This variant has not been reported in the literature in individuals affected with CACNA1S-related conditions. ClinVar contains an entry for this variant (Variation ID: 3386401). Invitae Evidence Modeling of protein sequence and biophysical properties (such as structural, functional, and spatial information, amino acid conservation, physicochemical variation, residue mobility, and thermodynamic stability) indicates that this missense variant is not expected to disrupt CACNA1S protein function with a negative predictive value of 95%. In summary, the available evidence is currently insufficient to determine the role of this variant in disease. Therefore, it has been classified as a Variant of Uncertain Significance.

All of Us Research Program, National Institutes of Health
Classification: Uncertain significance for Malignant hyperthermia, susceptibility to, 5. Last evaluated: 2024-08-06. Review status: criteria provided, single submitter. Criteria: ACMG Guidelines, 2015. Collection method: clinical testing. Allele origin: germline. Inheritance: Autosomal dominant inheritance. Observed: 1 variant allele, 1 heterozygote.
Comment: This study involves interpretation of variants in research participants for the purpose of population health screening. Participant phenotype was not available at the time of variant classification. Additional details can be found in publication PMID: 35346344, PMCID: PMC8962531